The following is an entry in ClinVar:

ClinVar aggregate classification (germline): Likely benign (1 of 4 stars; one submission).

gnomAD v4.1: 1 of 1,606,022 alleles (0.000062%); highest among the groups gnomAD compares: East Asian, 0.0022%; no homozygotes.

Submission:

CeGaT Center for Human Genetics Tuebingen
Classification: Likely benign. Last evaluated: 2025-04-01. Review status: criteria provided, single submitter. Criteria: CeGaT Center For Human Genetics Tuebingen Variant Classification Criteria Version 2. Collection method: clinical testing. Allele origin: germline. Affected: yes. Observed: 1 variant allele.
Comment: MECOM: BP4, BP7

NM_004991.4(MECOM):c.363T>C (p.Ser121=)

Gene: MECOM (MDS1 and EVI1 complex locus; minus strand). Cytogenetic location: 3q26.2.
Variant type: single nucleotide variant.
Coding change: c.363T>C on transcript NM_004991.4 (MANE Select); coding-DNA position 363, T replaced by C.
Protein change: p.Ser121=; no amino-acid change (serine 121 retained).
Molecular consequence: synonymous variant. On other transcripts: intron variant (1).
Genome position (GRCh38, 1-based): chr3:169,381,199, A>G on the plus strand (T>C on the coding strand, the complement: MECOM is on the minus strand). VCF-style: chr3-169381199-A-G. GRCh37 (hg19) VCF-style: chr3-169098987-A-G.
Other names: c.363T>C, p.Ser121= (NM_001366466.2, NM_001366473.2); c.-189-237367T>C (NM_001205194.2).
Identifiers: ClinVar variation 3898666 (VCV003898666.7).
Genomic context (GRCh38, chr3:169,381,199, plus strand): 5'-TTACACAGCTGCAATATATAAATGTGTTAACTCAAAATACATTCTTACCTCCCATCCATA[A>G]CTGGGGTCTTTCAGGTTTGACCTCTGCTCTCCCACATAAGGCCCAAACTTTTCACCTACT-3'
Protein context (NP_004982.2, residues 111-131): GEQRSNLKDP[Ser121=]YGWEILDEFY